The following is an entry in ClinVar:

NM_024753.5(TTC21B):c.986A>T (p.Glu329Val)

Gene: TTC21B (tetratricopeptide repeat domain 21B; minus strand). Cytogenetic location: 2q24.3.
Variant type: single nucleotide variant.
Coding change: c.986A>T on transcript NM_024753.5 (MANE Select); coding-DNA position 986, A replaced by T.
Protein change: p.Glu329Val; replaces glutamic acid 329 with valine.
Molecular consequence: missense variant.
Genome position (GRCh38, 1-based): chr2:165,930,273, T>A on the plus strand (A>T on the coding strand, the complement: TTC21B is on the minus strand). VCF-style: chr2-165930273-T-A. GRCh37 (hg19) VCF-style: chr2-166786783-T-A.
Other names: short protein forms E329V.
Identifiers: ClinVar variation 1344651 (VCV001344651.7), dbSNP rs746459698, ClinGen allele CA1942266.

ClinVar aggregate classification (germline): Uncertain significance. Review status: criteria provided, multiple submitters, no conflicts (2 of 4 stars). 3 submissions from 3 submitters: Uncertain significance (2). 1 of the submissions does not count toward it. Last evaluated 2022-01-18.

Conditions:
Nephronophthisis. Also called: Juvenile Nephronophthisis. Identifiers: Orphanet 655, MedGen C0687120, MONDO:0019005, HP:0000090.
Jeune thoracic dystrophy. Also called: Short-rib thoracic dysplasia; Jeune syndrome; Infantile thoracic dystrophy; Thoracic pelvic phalangeal dystrophy; Jeune's syndrome; Chondroectodermal dysplasia-like syndrome. Identifiers: Orphanet 474, MedGen C0265275, MONDO:0018770.
Asphyxiating thoracic dystrophy 4 (SRTD4). Also called: SHORT-RIB THORACIC DYSPLASIA 4 WITH OR WITHOUT POLYDACTYLY; SHORT-RIB THORACIC DYSPLASIA 4. Identifiers: Orphanet 474, MedGen C3151185, MONDO:0013441, OMIM 613819.
Nephronophthisis 12 (NPHP12). Identifiers: Orphanet 655, MedGen C3151186, MONDO:0013442, OMIM 613820.

Allele frequency attached by ClinVar (database versions not stated): gnomAD exomes below 0.00001; ExAC 0.00001.
gnomAD v4.1: 2 of 1,613,322 alleles (0.00012%); highest among the groups gnomAD compares: South Asian, 0.0022%; no homozygotes.

Submissions (3):

Fulgent Genetics
Classification: Uncertain significance for Asphyxiating thoracic dystrophy 4; Nephronophthisis 12. Last evaluated: 2022-01-18. Review status: criteria provided, single submitter. Criteria: ACMG Guidelines, 2015. Collection method: clinical testing. Allele origin: unknown.

Labcorp Genetics (formerly Invitae), Labcorp
Classification: Uncertain significance for Jeune thoracic dystrophy; Nephronophthisis. Last evaluated: 2021-09-03. Review status: criteria provided, single submitter. Criteria: Invitae Variant Classification Sherloc (09022015). Collection method: clinical testing. Allele origin: germline.
Comment: This sequence change replaces glutamic acid with valine at codon 329 of the TTC21B protein (p.Glu329Val). The glutamic acid residue is moderately conserved and there is a moderate physicochemical difference between glutamic acid and valine. This variant is present in population databases (rs746459698, ExAC 0.006%). This missense change has been observed in individual(s) with nephronopthisis (PMID: 30655312). In at least one individual the data is consistent with the variant being in trans (on the opposite chromosome) from a pathogenic variant. Algorithms developed to predict the effect of missense changes on protein structure and function are either unavailable or do not agree on the potential impact of this missense change (SIFT: "Deleterious"; PolyPhen-2: "Probably Damaging"; Align-GVGD: "Class C0"). In summary, the available evidence is currently insufficient to determine the role of this variant in disease. Therefore, it has been classified as a Variant of Uncertain Significance.

Yale Center for Mendelian Genomics, Yale University
Classification: Likely pathogenic for Nephronophthisis. Last evaluated: 2019-01-17. Review status: no assertion criteria provided. Collection method: literature only. Allele origin: germline. Affected: yes. Observed: 1 compound heterozygote. Study: Yale Center for Mendelian Genomics. Not counted in ClinVar's aggregate classification.

Literature cited by the submitters: PubMed 30655312 (cited by Labcorp Genetics (formerly Invitae), Labcorp and Yale Center for Mendelian Genomics, Yale University).